The following is an entry in ClinVar:

NM_001006658.3(CR2):c.334G>A (p.Asp112Asn)

Gene: CR2 (complement C3d receptor 2; plus strand). Cytogenetic location: 1q32.2.
Variant type: single nucleotide variant.
Coding change: c.334G>A on transcript NM_001006658.3 (MANE Select); coding-DNA position 334, G replaced by A.
Protein change: p.Asp112Asn; replaces aspartic acid 112 with asparagine.
Molecular consequence: missense variant.
Genome position (GRCh38, 1-based): chr1:207,466,801, G>A. VCF-style: chr1-207466801-G-A. GRCh37 (hg19) VCF-style: chr1-207640146-G-A.
Other names: c.334G>A, p.Asp112Asn (NM_001877.5); short protein forms D112N.
Identifiers: ClinVar variation 1002089 (VCV001002089.6), dbSNP rs367581933, ClinGen allele CA1368399.

ClinVar aggregate classification (germline): Uncertain significance (1 of 4 stars; one submission).

Conditions:
Immunodeficiency, common variable, 7. Identifiers: Orphanet 1572, Orphanet 696894, MedGen C3542922, MONDO:0013862, OMIM 614699.

Allele frequency attached by ClinVar (database versions not stated): gnomAD exomes below 0.00001 and 0.00001; TOPMed 0.00001; gnomAD 0.00001; ExAC 0.00002; ESP Exome Variant Server 0.00008.
gnomAD v4.1: 10 of 1,613,918 alleles (0.00062%); highest among the groups gnomAD compares: Non-Finnish European, 0.00076%; no homozygotes.

Submission:

Labcorp Genetics (formerly Invitae), Labcorp
Classification: Uncertain significance for Immunodeficiency, common variable, 7. Last evaluated: 2022-05-27. Review status: criteria provided, single submitter. Criteria: Invitae Variant Classification Sherloc (09022015). Collection method: clinical testing. Allele origin: germline.
Comment: This sequence change replaces aspartic acid, which is acidic and polar, with asparagine, which is neutral and polar, at codon 112 of the CR2 protein (p.Asp112Asn). This variant is present in population databases (rs367581933, gnomAD 0.0009%). This variant has not been reported in the literature in individuals affected with CR2-related conditions. ClinVar contains an entry for this variant (Variation ID: 1002089). Algorithms developed to predict the effect of missense changes on protein structure and function are either unavailable or do not agree on the potential impact of this missense change (SIFT: "Tolerated"; PolyPhen-2: "Probably Damaging"; Align-GVGD: "Class C0"). In summary, the available evidence is currently insufficient to determine the role of this variant in disease. Therefore, it has been classified as a Variant of Uncertain Significance.